The following is an entry in ClinVar:

NM_004260.4(RECQL4):c.3214A>T (p.Arg1072Ter)

Gene: RECQL4 (RecQ like helicase 4; minus strand). Cytogenetic location: 8q24.3.
Variant type: single nucleotide variant.
Coding change: c.3214A>T on transcript NM_004260.4 (MANE Select); coding-DNA position 3214, A replaced by T.
Protein change: p.Arg1072Ter; replaces arginine 1072 with a stop codon.
Molecular consequence: nonsense.
Genome position (GRCh38, 1-based): chr8:144,512,166, T>A on the plus strand (A>T on the coding strand, the complement: RECQL4 is on the minus strand). VCF-style: chr8-144512166-T-A. GRCh37 (hg19) VCF-style: chr8-145737549-T-A.
Other names: short protein forms R1072*.
Identifiers: ClinVar variation 56408 (VCV000056408.2), dbSNP rs386833853, ClinGen allele CA144338.

ClinVar aggregate classification (germline): Likely pathogenic (0 of 4 stars; one submission).

Conditions:
Rapadilino syndrome. Identifiers: Orphanet 3021, MedGen C1849453, MONDO:0009955, OMIM 266280.

gnomAD v4.1: 2 of 1,610,840 alleles (0.00012%); no homozygotes.

Submission:

Juha Muilu Group; Institute for Molecular Medicine Finland (FIMM)
Classification: Likely pathogenic for Rapadilino syndrome. Review status: no assertion criteria provided. Collection method: not provided. Allele origin: unknown.
Comment: FinDis database variant: This variant was not found or characterized by our laboratory, data were collected from public sources: see reference
ClinVar note: Converted during submission from probable-pathogenic to Likely pathogenic.